The following is an entry in ClinVar:

NM_000080.4(CHRNE):c.1322G>C (p.Gly441Ala)

Gene: CHRNE (cholinergic receptor nicotinic epsilon subunit; minus strand). Cytogenetic location: 17p13.2.
Variant type: single nucleotide variant.
Coding change: c.1322G>C on transcript NM_000080.4 (MANE Select); coding-DNA position 1322, G replaced by C.
Protein change: p.Gly441Ala; replaces glycine 441 with alanine.
Molecular consequence: missense variant.
Genome position (GRCh38, 1-based): chr17:4,899,005, C>G on the plus strand (G>C on the coding strand, the complement: CHRNE is on the minus strand). VCF-style: chr17-4899005-C-G. GRCh37 (hg19) VCF-style: chr17-4802300-C-G.
Other names: short protein forms G441A.
Identifiers: ClinVar variation 3368095 (VCV003368095.1).

ClinVar aggregate classification (germline): Uncertain significance (1 of 4 stars; one submission).

Submission:

GeneDx
Classification: Uncertain significance. Last evaluated: 2024-01-21. Review status: criteria provided, single submitter. Criteria: GeneDx Variant Classification Process June 2021. Collection method: clinical testing. Allele origin: germline. Affected: yes.
Comment: Not observed at significant frequency in large population cohorts (gnomAD); In silico analysis supports that this missense variant does not alter protein structure/function; Has not been previously published as pathogenic or benign to our knowledge